The following is an entry in ClinVar:

NM_001868.4(CPA1):c.763A>G (p.Arg255Gly)

Gene: CPA1 (carboxypeptidase A1; plus strand). Cytogenetic location: 7q32.2.
Variant type: single nucleotide variant.
Coding change: c.763A>G on transcript NM_001868.4 (MANE Select); coding-DNA position 763, A replaced by G.
Protein change: p.Arg255Gly; replaces arginine 255 with glycine.
Molecular consequence: missense variant.
Genome position (GRCh38, 1-based): chr7:130,384,602, A>G. VCF-style: chr7-130384602-A-G. GRCh37 (hg19) VCF-style: chr7-130024443-A-G.
Other names: short protein forms R255G.
Identifiers: ClinVar variation 1759921 (VCV001759921.3), dbSNP rs782085292, ClinGen allele CA4484929.
Genomic context (GRCh38, chr7:130,384,602, plus strand): 5'-ATGTGGCGCAAGACTCGGTCCCACACAGCAGGCTCCCTCTGTATTGGCGTGGACCCCAAC[A>G]GGAACTGGGACGCTGGCTTTGGGTGTAAGGCCCAGAGTGTCTTGGGAGCAAGGATGGGAT-3'
Protein context (NP_001859.1, residues 245-265): GSLCIGVDPN[Arg255Gly]NWDAGFGLSG

ClinVar aggregate classification (germline): Uncertain significance (1 of 4 stars; one submission).

Conditions:
Hereditary pancreatitis (PCTT). Also called: Hereditary chronic pancreatitis; PRSS1-Related Hereditary Pancreatitis. Identifiers: Orphanet 676, MedGen C0238339, MONDO:0008185, OMIM 167800.

Allele frequency attached by ClinVar (database versions not stated): gnomAD 0.00001; gnomAD exomes 0.00003; ExAC 0.00007.
gnomAD v4.1: 40 of 1,614,024 alleles (0.0025%); highest among the groups gnomAD compares: South Asian, 0.042%; no homozygotes.

Submission:

Ambry Genetics
Classification: Uncertain significance for Hereditary pancreatitis. Last evaluated: 2024-06-28. Review status: criteria provided, single submitter. Criteria: Ambry Variant Classification Scheme 2023. Collection method: clinical testing. Allele origin: germline.
Comment: The p.R255G variant (also known as c.763A>G), located in coding exon 7 of the CPA1 gene, results from an A to G substitution at nucleotide position 763. The arginine at codon 255 is replaced by glycine, an amino acid with dissimilar properties. This amino acid position is conserved. In addition, the in silico prediction for this alteration is inconclusive. Since supporting evidence is limited at this time, the clinical significance of this alteration remains unclear.